The following is an entry in ClinVar:

NM_001267550.2(TTN):c.39090G>A (p.Ala13030=)

Gene: TTN (titin; minus strand). Cytogenetic location: 2q31.2.
Variant type: single nucleotide variant.
Coding change: c.39090G>A on transcript NM_001267550.2 (MANE Select); coding-DNA position 39090, G replaced by A.
Protein change: p.Ala13030=; no amino-acid change (alanine 13030 retained).
Molecular consequence: synonymous variant. On other transcripts: intron variant (3).
Genome position (GRCh38, 1-based): chr2:178,652,495, C>T on the plus strand (G>A on the coding strand, the complement: TTN is on the minus strand). VCF-style: chr2-178652495-C-T. GRCh37 (hg19) VCF-style: chr2-179517222-C-T.
Other names: c.34569G>A, p.Ala11523= (NM_001256850.1); c.31788G>A, p.Ala10596= (NM_133378.4); c.13283-10178G>A (NM_003319.4); c.13859-10178G>A (NM_133437.4); c.13658-10178G>A (NM_133432.3).
Identifiers: ClinVar variation 332878 (VCV000332878.17), dbSNP rs375519815, ClinGen allele CA1996869.
Genomic context (GRCh38, chr2:178,652,495, plus strand): 5'-AGCCTAAAATCAGTGACAAATACCTTTAACAGGTGTGACTTCAGGCTTTTTAGGAGGAGC[C>T]GCTGGCACTTTCTTTTCAGGAACAACTTCTTTCGGAGCCTCTGGCACTTAAAAGATATTA-3'
Protein context (NP_001254479.2, residues 13020-13040): KEVVPEKKVP[Ala13030=]APPKKPEVTP

ClinVar aggregate classification (germline): Conflicting classifications of pathogenicity. Review status: criteria provided, conflicting classifications (1 of 4 stars). 9 submissions from 5 submitters: Uncertain significance (3); Benign (2); Likely benign (4). Last evaluated 2025-12-31.

Conditions:
Myopathy, myofibrillar, 9, with early respiratory failure (MFM9). Also called: MYOPATHY, PROXIMAL, WITH EARLY RESPIRATORY MUSCLE INVOLVEMENT; Hereditary myopathy with early respiratory failure; Myopathy, distal, with early respiratory failure, autosomal dominant; EDSTROM MYOPATHY. Identifiers: Orphanet 178464, Orphanet 34521, MedGen C1863599, MONDO:0011362, OMIM 603689.
Early-onset myopathy with fatal cardiomyopathy (CMYO5). Also called: Salih Myopathy; CONGENITAL MYOPATHY 5 WITH CARDIOMYOPATHY. Identifiers: Orphanet 289377, MedGen C2673677, MONDO:0012714, OMIM 611705. Disease mechanism: loss of function.
Autosomal recessive limb-girdle muscular dystrophy type 2J (LGMDR10). Also called: Limb-girdle muscular dystrophy, type 2J; MUSCULAR DYSTROPHY, LIMB-GIRDLE, AUTOSOMAL RECESSIVE 10. Identifiers: Orphanet 140922, MedGen C1837342, MONDO:0012127, OMIM 608807.
TTN-related disorder. Also called: TTN-related disorders; TTN-related condition; TTN-related disease.
Dilated cardiomyopathy 1G (CMD1G). Identifiers: Orphanet 154, MedGen C1858763, MONDO:0011400, OMIM 604145.
Tibial muscular dystrophy (TMD). Also called: UDD MYOPATHY; Tibial muscular dystrophy, tardive; Udd Distal Myopathy – Tibial Muscular Dystrophy. Identifiers: Orphanet 609, MedGen C1838244, MONDO:0010870, OMIM 600334.

Allele frequency attached by ClinVar (database versions not stated): gnomAD exomes 0.00003 and 0.00004; ExAC 0.00005; TOPMed 0.00005; gnomAD 0.00006 and 0.00007; ESP Exome Variant Server 0.00009.
gnomAD v4.1: 61 of 1,613,400 alleles (0.0038%); highest among the groups gnomAD compares: African/African-American, 0.02%; no homozygotes.

Submissions (9):

Labcorp Genetics (formerly Invitae), Labcorp
Classification: Likely benign for Dilated cardiomyopathy 1G; Autosomal recessive limb-girdle muscular dystrophy type 2J. Last evaluated: 2025-12-31. Review status: criteria provided, single submitter. Criteria: Invitae Variant Classification Sherloc (09022015). Collection method: clinical testing. Allele origin: germline.

PreventionGenetics, part of Exact Sciences
Classification: Likely benign for TTN-related condition. Last evaluated: 2025-09-11. Review status: criteria provided, single submitter. Criteria: ACMG Guidelines, 2015. Collection method: clinical testing. Allele origin: germline.
Comment: This variant is classified as likely benign based on ACMG/AMP sequence variant interpretation guidelines (Richards et al. 2015 PMID: 25741868, with internal and published modifications).

Women's Health and Genetics/Laboratory Corporation of America, LabCorp
Classification: Likely benign. Last evaluated: 2023-08-19. Review status: criteria provided, single submitter. Criteria: LabCorp Variant Classification Summary - May 2015. Collection method: clinical testing. Allele origin: germline.

Illumina Laboratory Services, Illumina
Classification: Benign for Myopathy, myofibrillar, 9, with early respiratory failure. Last evaluated: 2018-01-12. Review status: criteria provided, single submitter. Criteria: ICSL Variant Classification Criteria 13 December 2019. Collection method: clinical testing. Allele origin: germline.
Comment: This variant was observed in the ICSL laboratory as part of a predisposition screen in an ostensibly healthy population. It had not been previously curated by ICSL or reported in the Human Gene Mutation Database (HGMD: prior to June 1st, 2018), and was therefore a candidate for classification through an automated scoring system. Utilizing variant allele frequency, disease prevalence and penetrance estimates, and inheritance mode, an automated score was calculated to assess if this variant is too frequent to cause the disease. Based on the score and internal cut-off values, a variant classified as benign is not then subjected to further curation. The score for this variant resulted in a classification of benign for this disease.

Illumina Laboratory Services, Illumina
Classification: Uncertain significance for Autosomal recessive limb-girdle muscular dystrophy type 2J. Last evaluated: 2018-01-12. Review status: criteria provided, single submitter. Criteria: ICSL Variant Classification Criteria 13 December 2019. Collection method: clinical testing. Allele origin: germline.

Illumina Laboratory Services, Illumina
Classification: Benign for Tibial muscular dystrophy. Last evaluated: 2018-01-12. Review status: criteria provided, single submitter. Criteria: ICSL Variant Classification Criteria 13 December 2019. Collection method: clinical testing. Allele origin: germline.
Comment: the same text as in the submission from Illumina Laboratory Services, Illumina above.

Illumina Laboratory Services, Illumina
Classification: Uncertain significance for Early-onset myopathy with fatal cardiomyopathy. Last evaluated: 2018-01-12. Review status: criteria provided, single submitter. Criteria: ICSL Variant Classification Criteria 13 December 2019. Collection method: clinical testing. Allele origin: germline.

Illumina Laboratory Services, Illumina
Classification: Uncertain significance for Dilated cardiomyopathy 1G. Last evaluated: 2018-01-12. Review status: criteria provided, single submitter. Criteria: ICSL Variant Classification Criteria 13 December 2019. Collection method: clinical testing. Allele origin: germline.

GeneDx
Classification: Likely benign. Last evaluated: 2016-03-14. Review status: criteria provided, single submitter. Criteria: GeneDx Variant Classification (06012015). Collection method: clinical testing. Allele origin: germline. Affected: yes.
Comment: This variant is considered likely benign or benign based on one or more of the following criteria: it is a conservative change, it occurs at a poorly conserved position in the protein, it is predicted to be benign by multiple in silico algorithms, and/or has population frequency not consistent with disease.